The following is an entry in ClinVar:

ClinVar aggregate classification (germline): Uncertain significance (1 of 4 stars; one submission).

gnomAD v4.1: 1 of 1,135,709 alleles (0.000088%); no homozygotes.

Submission:

GeneDx
Classification: Uncertain significance. Last evaluated: 2019-09-23. Review status: criteria provided, single submitter. Criteria: GeneDx Variant Classification Process June 2021. Collection method: clinical testing. Allele origin: germline. Affected: yes.
Comment: Not observed in large population cohorts (Lek et al., 2016); In silico analysis, which includes protein predictors and evolutionary conservation, supports that this variant does not alter protein structure/function; Has not been previously published as pathogenic or benign to our knowledge

NM_001368397.1(FRMPD4):c.1630C>T (p.His544Tyr)

Gene: FRMPD4 (FERM and PDZ domain containing 4; plus strand). Cytogenetic location: Xp22.2.
Variant type: single nucleotide variant.
Coding change: c.1630C>T on transcript NM_001368397.1 (MANE Select); coding-DNA position 1630, C replaced by T.
Protein change: p.His544Tyr; replaces histidine 544 with tyrosine.
Molecular consequence: missense variant.
Genome position (GRCh38, 1-based): chrX:12,716,089, C>T. VCF-style: chrX-12716089-C-T. GRCh37 (hg19) VCF-style: chrX-12734208-C-T.
Other names: c.1741C>T, p.His581Tyr (NM_001368395.3, NM_001368398.3); c.1636C>T, p.His546Tyr (NM_001368396.3); c.1621C>T, p.His541Tyr (NM_001368399.3); c.1510C>T, p.His504Tyr (NM_001368400.3); c.1606C>T, p.His536Tyr (NM_001368401.1, NM_001368402.3); c.1630C>T, p.His544Tyr (NM_014728.3); short protein forms H504Y, H536Y, H541Y, H544Y, H546Y, H581Y.
Identifiers: ClinVar variation 1303747 (VCV001303747.2), dbSNP rs2042073323, ClinGen allele CA412309074.